The following is an entry in ClinVar:

NM_000222.3(KIT):c.101C>T (p.Pro34Leu)

Gene: KIT (KIT proto-oncogene, receptor tyrosine kinase; plus strand). Cytogenetic location: 4q12.
Variant type: single nucleotide variant.
Coding change: c.101C>T on transcript NM_000222.3 (MANE Select); coding-DNA position 101, C replaced by T.
Protein change: p.Pro34Leu; replaces proline 34 with leucine.
Molecular consequence: missense variant.
Genome position (GRCh38, 1-based): chr4:54,695,545, C>T. VCF-style: chr4-54695545-C-T. GRCh37 (hg19) VCF-style: chr4-55561711-C-T.
Other names: c.101C>T, p.Pro34Leu (NM_001093772.2, NM_001385284.1, NM_001385285.1 and 4 more transcripts); short protein forms P34L.
Identifiers: ClinVar variation 409788 (VCV000409788.22), dbSNP rs55755457, ClinGen allele CA2923156.

ClinVar aggregate classification (germline): Conflicting classifications of pathogenicity. Review status: criteria provided, conflicting classifications (1 of 4 stars). 8 submissions from 8 submitters: Uncertain significance (5); Likely benign (3). Last evaluated 2026-05-26.

Conditions:
KIT-related disorder. Also called: KIT-related condition.
Hereditary cancer-predisposing syndrome. Also called: Neoplastic Syndromes, Hereditary; Tumor predisposition; Hereditary Cancer Syndrome; Hereditary neoplastic syndrome. Identifiers: Orphanet 140162, MedGen C0027672, MeSH D009386, MONDO:0015356.
Gastrointestinal stromal tumor. Also called: Gastrointestinal stroma tumor; Gastrointestinal stromal tumor, somatic. Identifiers: Orphanet 44890, MedGen C0238198, MeSH D046152, MONDO:0011719, OMIM 606764, HP:0100723.
Malignant tumor of testis. Also called: Testicular cancer. Identifiers: MedGen C0153594, MONDO:0005447.

Allele frequency attached by ClinVar (database versions not stated): ExAC 0.00006; gnomAD exomes 0.00006 and 0.00010; TOPMed 0.00006; gnomAD 0.00010.
gnomAD v4.1: 156 of 1,614,048 alleles (0.0097%); highest among the groups gnomAD compares: Middle Eastern, 0.016%; no homozygotes.

Submissions (8):

Myriad Genetics, Inc.
Classification: Likely benign for Gastrointestinal stromal tumor. Last evaluated: 2026-05-26. Review status: criteria provided, single submitter. Criteria: Myriad Autosomal Dominant, Autosomal Recessive and X-Linked Classification Criteria (2023). Collection method: clinical testing. Allele origin: unknown.
Comment: This variant is considered likely benign. This variant has been observed at a population frequency that is significantly greater than expected given the associated disease prevalence and penetrance.

PreventionGenetics, part of Exact Sciences
Classification: Uncertain significance for KIT-related condition. Last evaluated: 2026-05-21. Review status: criteria provided, single submitter. Criteria: ACMG Guidelines, 2015. Collection method: clinical testing. Allele origin: germline.
Comment: The KIT c.101C>T variant is predicted to result in the amino acid substitution p.Pro34Leu. To our knowledge, this variant has not been reported in the literature. This variant is reported in 0.011% of alleles in individuals of European (Non-Finnish) descent in gnomAD and has conflicting interpretations in ClinVar ranging from likely benign to uncertain (Variation ID: 409788). Although we suspect that this variant may be benign, at this time, the clinical significance of this variant is uncertain due to the absence of conclusive functional and genetic evidence.

Labcorp Genetics (formerly Invitae), Labcorp
Classification: Uncertain significance for Gastrointestinal stromal tumor. Last evaluated: 2026-01-26. Review status: criteria provided, single submitter. Criteria: Invitae Variant Classification Sherloc (09022015). Collection method: clinical testing. Allele origin: germline.
Comment: This sequence change replaces proline, which is neutral and non-polar, with leucine, which is neutral and non-polar, at codon 34 of the KIT protein (p.Pro34Leu). This variant is present in population databases (rs55755457, gnomAD 0.01%). This variant has not been reported in the literature in individuals affected with KIT-related conditions. ClinVar contains an entry for this variant (Variation ID: 409788). An algorithm developed to predict the effect of missense changes on protein structure and function outputs the following: PolyPhen-2: "Benign". The leucine amino acid residue is found in multiple mammalian species, which suggests that this missense change does not adversely affect protein function. In summary, the available evidence is currently insufficient to determine the role of this variant in disease. Therefore, it has been classified as a Variant of Uncertain Significance.

Laboratory of Genetics, Children's Clinical University Hospital Latvia
Classification: Likely benign. Last evaluated: 2025-02-16. Review status: criteria provided, single submitter. Criteria: ACMG Guidelines, 2015. Collection method: clinical testing. Allele origin: germline. Affected: yes.

GeneDx
Classification: Uncertain significance. Last evaluated: 2024-07-11. Review status: criteria provided, single submitter. Criteria: GeneDx Variant Classification Process June 2021. Collection method: clinical testing. Allele origin: germline.
Comment: In silico analysis indicates that this missense variant does not alter protein structure/function; Has not been previously published as pathogenic or benign to our knowledge

St. Jude Molecular Pathology, St. Jude Children's Research Hospital
Classification: Uncertain significance for Gastrointestinal stromal tumor. Last evaluated: 2022-10-06. Review status: criteria provided, single submitter. Criteria: St. Jude Assertion Criteria 2020. Collection method: clinical testing. Allele origin: germline.
Comment: The KIT c.101C>T (p.Pro34Leu) missense change has a maximum subpopulation frequency of 0.011% in gnomAD v2.1.1. The in silico tool REVEL predicts a benign effect on protein function, but to our knowledge this prediction has not been confirmed by functional studies. To our knowledge, this variant has not been reported in individuals with KIT-related gastrointestinal stromal tumor. In summary, the evidence currently available is insufficient to determine the clinical significance of this variant. It has therefore been classified as of uncertain significance.

Centre for Mendelian Genomics, University Medical Centre Ljubljana
Classification: Uncertain significance for Germ cell tumor of testis. Last evaluated: 2020-03-14. Review status: criteria provided, single submitter. Criteria: ACMG Guidelines, 2015. Collection method: clinical testing. Allele origin: unknown. Affected: yes.
Comment: This variant was classified as: Uncertain significance. The available evidence on this variant's pathogenicity is insufficient or conflicting. The following ACMG criteria were applied in classifying this variant: No criteria apply.

Ambry Genetics
Classification: Likely benign for Hereditary cancer-predisposing syndrome. Last evaluated: 2019-05-17. Review status: criteria provided, single submitter. Criteria: Ambry Variant Classification Scheme 2023. Collection method: clinical testing. Allele origin: germline.